The following is an entry in ClinVar:

NM_001267550.2(TTN):c.45895+1G>C

Gene: TTN (titin; minus strand). Cytogenetic location: 2q31.2.
Variant type: single nucleotide variant.
Coding change: c.45895+1G>C on transcript NM_001267550.2 (MANE Select); the canonical splice donor site of the intron after coding-DNA position 45895, G replaced by C.
Molecular consequence: splice donor variant.
Genome position (GRCh38, 1-based): chr2:178,620,714, C>G on the plus strand (G>C on the coding strand, the complement: TTN is on the minus strand). VCF-style: chr2-178620714-C-G. GRCh37 (hg19) VCF-style: chr2-179485441-C-G.
Other names: c.18700+1G>C (NM_003319.4); c.19276+1G>C (NM_133437.4); c.19075+1G>C (NM_133432.3); c.38191+1G>C (NM_133378.4); c.40972+1G>C (NM_001256850.1).
Identifiers: ClinVar variation 4787500 (VCV004787500.1).

ClinVar aggregate classification (germline): Likely pathogenic (1 of 4 stars; one submission).

Conditions:
Autosomal recessive limb-girdle muscular dystrophy type 2J (LGMDR10). Also called: Limb-girdle muscular dystrophy, type 2J; MUSCULAR DYSTROPHY, LIMB-GIRDLE, AUTOSOMAL RECESSIVE 10. Identifiers: Orphanet 140922, MedGen C1837342, MONDO:0012127, OMIM 608807.
Dilated cardiomyopathy 1G (CMD1G). Identifiers: Orphanet 154, MedGen C1858763, MONDO:0011400, OMIM 604145.

Submission:

Labcorp Genetics (formerly Invitae), Labcorp
Classification: Likely pathogenic for Dilated cardiomyopathy 1G; Autosomal recessive limb-girdle muscular dystrophy type 2J. Last evaluated: 2025-04-27. Review status: criteria provided, single submitter. Criteria: Invitae Variant Classification Sherloc (09022015). Collection method: clinical testing. Allele origin: germline.
Comment: This sequence change affects a donor splice site in intron 247 of the TTN gene. It is expected to disrupt RNA splicing and likely results in a truncated or disrupted TTN protein. This variant is not present in population databases (gnomAD no frequency). This variant has not been reported in the literature in individuals affected with TTN-related conditions. Algorithms developed to predict the effect of sequence changes on RNA splicing suggest that this variant may disrupt the consensus splice site. This variant is located in the I band of TTN (PMID: 25589632). Truncating variants in this region have been reported in individuals affected with autosomal recessive centronuclear myopathy (PMID: 23975875, internal data). Truncating variants in this region have also been identified in individuals affected with autosomal dominant dilated cardiomyopathy and/or cardio-related conditions (PMID: 27869827, 32964742, internal data). In summary, the currently available evidence indicates that the variant is pathogenic, but additional data are needed to prove that conclusively. Therefore, this variant has been classified as Likely Pathogenic.

Literature cited by the submitters: PubMed 25589632; PubMed 23975875; PubMed 27869827; PubMed 32964742.